The following is an entry in ClinVar:

NM_000216.4(ANOS1):c.1142del (p.Gly381fs)

Gene: ANOS1 (anosmin 1; minus strand). Cytogenetic location: Xp22.31.
Variant type: Deletion.
Coding change: c.1142del on transcript NM_000216.4 (MANE Select); coding-DNA position 1142, one base deleted (G; older notation c.1142delG).
Protein change: p.Gly381fs; shifts the reading frame from glycine 381.
Molecular consequence: frameshift variant.
Genome position (GRCh38, 1-based): chrX:8,568,297, C deleted on the plus strand (G on the coding strand, the reverse complement: ANOS1 is on the minus strand); the first of 4 consecutive C bases (chrX:8,568,297-8,568,300); deleting any one gives the same sequence. VCF-style (leftmost placement, unchanged base first): chrX-8568296-TC-T. GRCh37 (hg19) VCF-style: chrX-8536337-TC-T.
Other names: short protein forms G381fs.
Identifiers: ClinVar variation 2762605 (VCV002762605.3), dbSNP rs2518482190, ClinGen allele CA2579546735.

ClinVar aggregate classification (germline): Pathogenic (1 of 4 stars; one submission).

Conditions:
Hypogonadotropic hypogonadism 1 with or without anosmia (HH1). Also called: Kallmann syndrome, type 1, X-linked; DYSPLASIA OLFACTOGENITALIS OF DE MORSIER; HYPOGONADOTROPIC HYPOGONADISM 1 WITH ANOSMIA; KAL1-Related GnRH Deficiency (Kallmann Syndrome 1; Kallmann Syndrome, X-Linked); Hypogonadotropic hypogonadism 1 with or without anosmia (Kallmann syndrome 1); HYPOGONADOTROPIC HYPOGONADISM AND ANOSMIA. Identifiers: Orphanet 478, MedGen C1563719, MONDO:0010635, OMIM 308700. Disease mechanism: loss of function.

Submission:

Labcorp Genetics (formerly Invitae), Labcorp
Classification: Pathogenic for Hypogonadotropic hypogonadism 1 with or without anosmia. Last evaluated: 2023-09-22. Review status: criteria provided, single submitter. Criteria: Invitae Variant Classification Sherloc (09022015). Collection method: clinical testing. Allele origin: germline.
Comment: This sequence change creates a premature translational stop signal (p.Gly381Aspfs*5) in the ANOS1 gene. It is expected to result in an absent or disrupted protein product. Loss-of-function variants in ANOS1 are known to be pathogenic (PMID: 8504298, 11297579). This variant is not present in population databases (gnomAD no frequency). This variant has not been reported in the literature in individuals affected with ANOS1-related conditions. For these reasons, this variant has been classified as Pathogenic.

Literature cited by the submitters: PubMed 8504298; PubMed 11297579.